The following is an entry in ClinVar:

ClinVar aggregate classification (germline): Likely benign (0 of 4 stars; one submission).

Conditions:
BBS9-related disorder. Also called: BBS9-related condition.

gnomAD v4.1: 10 of 1,463,228 alleles (0.00068%); highest among the groups gnomAD compares: Non-Finnish European, 0.00084%; no homozygotes.

Submission:

PreventionGenetics, part of Exact Sciences
Classification: Likely benign for BBS9-related condition. Last evaluated: 2023-01-24. Review status: no assertion criteria provided. Collection method: clinical testing. Allele origin: germline.
Comment: This variant is classified as likely benign based on ACMG/AMP sequence variant interpretation guidelines (Richards et al. 2015 PMID: 25741868, with internal and published modifications).

NM_198428.3(BBS9):c.329-6C>A

Gene: BBS9 (Bardet-Biedl syndrome 9; plus strand). Cytogenetic location: 7p14.3.
Variant type: single nucleotide variant.
Coding change: c.329-6C>A on transcript NM_198428.3 (MANE Select); 6 bases into the intron before coding-DNA position 329, C replaced by A.
Molecular consequence: intron variant.
Genome position (GRCh38, 1-based): chr7:33,177,472, C>A. VCF-style: chr7-33177472-C-A. GRCh37 (hg19) VCF-style: chr7-33217084-C-A.
Other names: c.329-6C>A (NM_001348036.1, NM_001362679.1, NM_001348041.4 and 5 more transcripts); c.56-6C>A (NM_001348038.3, NM_001348039.3); c.-38-6C>A (NM_001348037.3, NM_001348045.3, NM_001348046.3 and 1 more transcripts); c.194-6C>A (NM_001348042.3).
Identifiers: ClinVar variation 3058465 (VCV003058465.2), dbSNP rs1445078208, ClinGen allele CA2682339923.